The following is an entry in ClinVar:

ClinVar aggregate classification (germline): Likely benign (1 of 4 stars; one submission).

Submission:

CeGaT Center for Human Genetics Tuebingen
Classification: Likely benign. Last evaluated: 2022-09-01. Review status: criteria provided, single submitter. Criteria: CeGaT Center For Human Genetics Tuebingen Variant Classification Criteria Version 2. Collection method: clinical testing. Allele origin: germline. Affected: yes. Observed: 1 variant allele.
Comment: SELENON: BP4

NM_206926.2(SELENON):c.-14_-5dup

Gene: SELENON (selenoprotein N; plus strand). Cytogenetic location: 1p36.11.
Variant type: Duplication.
Coding change: c.-14_-5dup on transcript NM_206926.2 (MANE Select); 14 bases upstream of the start codon through 5 bases upstream of the start codon, 10 bases duplicated (CGCCAGCCGC; older notation c.-14_-5dupCGCCAGCCGC).
Molecular consequence: 5 prime UTR variant.
Genome position (GRCh38, 1-based): chr1:25,800,217-25,800,226, CGCCAGCCGC duplicated; duplicating any 10 consecutive bases within chr1:25,800,210-25,800,226 gives the same sequence; the c. name uses the placement nearest the transcript's 3' end. VCF-style (leftmost placement, unchanged base first): chr1-25800209-G-GCAGCCGCCGC. GRCh37 (hg19) VCF-style: chr1-26126700-G-GCAGCCGCCGC.
Other names: c.-14_-5dup (NM_020451.3).
Identifiers: ClinVar variation 2638502 (VCV002638502.24), dbSNP rs911788176, ClinGen allele CA19693095.